The following is an entry in ClinVar:

NC_000002.11:g.(?_44068919)_(44073414_?)del

Gene: ABCG8 (ATP binding cassette subfamily G member 8; plus strand). Cytogenetic location: 2p21.
Variant type: Deletion.
Identifiers: ClinVar variation 3247571 (VCV003247571.1).

ClinVar aggregate classification (germline): Likely pathogenic (1 of 4 stars; one submission).

Submission:

Labcorp Genetics (formerly Invitae), Labcorp
Classification: Likely pathogenic. Last evaluated: 2023-01-19. Review status: criteria provided, single submitter. Criteria: Invitae Variant Classification Sherloc (09022015). Collection method: clinical testing. Allele origin: unknown.
Comment: This variant results in the deletion of exon 2 and part of exon 3 of the ABCG8 gene. It is expected to disrupt RNA splicing. Variants that disrupt the donor or acceptor splice site typically lead to a loss of protein function (PMID: 16199547), and loss-of-function variants in ABCG8 are known to be pathogenic (PMID: 11452359, 15375183, 16029460). This variant has not been reported in the literature in individuals affected with ABCG8-related conditions. In summary, the currently available evidence indicates that the variant is pathogenic, but additional data are needed to prove that conclusively. Therefore, this variant has been classified as Likely Pathogenic.

Literature cited by the submitters: PubMed 16199547; PubMed 11452359; PubMed 15375183; PubMed 16029460.